The following is an entry in ClinVar:

ClinVar aggregate classification (germline): Uncertain significance (1 of 4 stars; one submission).

Allele frequency attached by ClinVar (database versions not stated): TOPMed 0.00004; gnomAD exomes 0.00008 and 0.00004; ExAC 0.00007; gnomAD 0.00003.
gnomAD v4.1: 74 of 1,613,436 alleles (0.0046%); highest among the groups gnomAD compares: East Asian, 0.078%; no homozygotes.

Submission:

Labcorp Genetics (formerly Invitae), Labcorp
Classification: Uncertain significance. Last evaluated: 2025-04-23. Review status: criteria provided, single submitter. Criteria: Invitae Variant Classification Sherloc (09022015). Collection method: clinical testing. Allele origin: germline.
Comment: This sequence change replaces arginine, which is basic and polar, with tryptophan, which is neutral and slightly polar, at codon 645 of the SUCO protein (p.Arg645Trp). This variant is present in population databases (rs754869865, gnomAD 0.09%), and has an allele count higher than expected for a pathogenic variant. This missense change has been observed in individual(s) with mesial temporal lobe epilepsy (PMID: 25668491). ClinVar contains an entry for this variant (Variation ID: 1476425). An algorithm developed to predict the effect of missense changes on protein structure and function outputs the following: PolyPhen-2: "Benign". The tryptophan amino acid residue is found in multiple mammalian species, which suggests that this missense change does not adversely affect protein function. In summary, the available evidence is currently insufficient to determine the role of this variant in disease. Therefore, it has been classified as a Variant of Uncertain Significance.

Literature cited by the submitters: PubMed 25668491.

NM_014283.5(SUCO):c.1933C>T (p.Arg645Trp)

Gene: SUCO (SUN domain containing ossification factor; plus strand). Cytogenetic location: 1q24.3.
Variant type: single nucleotide variant.
Coding change: c.1933C>T on transcript NM_014283.5 (MANE Select); coding-DNA position 1933, C replaced by T.
Protein change: p.Arg645Trp; replaces arginine 645 with tryptophan.
Molecular consequence: missense variant. On other transcripts: intron variant (1).
Genome position (GRCh38, 1-based): chr1:172,589,034, C>T. VCF-style: chr1-172589034-C-T. GRCh37 (hg19) VCF-style: chr1-172558174-C-T.
Other names: c.244C>T, p.Arg82Trp (NM_001282751.2); c.2386C>T, p.Arg796Trp (NM_016227.4); c.1712+110C>T (NM_001282750.2); short protein forms R796W, R82W, R645W.
Identifiers: ClinVar variation 1476425 (VCV001476425.6), dbSNP rs754869865, ClinGen allele CA1246986.